The following is an entry in ClinVar:

ClinVar aggregate classification (germline): Likely benign (1 of 4 stars; one submission).

Conditions:
FECH-related disorder. Also called: FECH-related condition.

gnomAD v4.1: 63 of 1,613,690 alleles (0.0039%); highest among the groups gnomAD compares: African/African-American, 0.011%; no homozygotes.

Submission:

PreventionGenetics, part of Exact Sciences
Classification: Likely benign for FECH-related condition. Last evaluated: 2026-04-08. Review status: criteria provided, single submitter. Criteria: ACMG Guidelines, 2015. Collection method: clinical testing. Allele origin: germline.
Comment: This variant is classified as likely benign based on ACMG/AMP sequence variant interpretation guidelines (Richards et al. 2015 PMID: 25741868, with internal and published modifications).

NM_000140.5(FECH):c.*9G>A

Gene: FECH (ferrochelatase; minus strand). Cytogenetic location: 18q21.31.
Variant type: single nucleotide variant.
Coding change: c.*9G>A on transcript NM_000140.5 (MANE Select); 9 bases downstream of the stop codon, G replaced by A.
Molecular consequence: 3 prime UTR variant.
Genome position (GRCh38, 1-based): chr18:57,550,703, C>T on the plus strand (G>A on the coding strand, the complement: FECH is on the minus strand). VCF-style: chr18-57550703-C-T. GRCh37 (hg19) VCF-style: chr18-55217935-C-T.
Other names: c.*9G>A (NM_001012515.4, NM_001371094.1, NM_001371095.1 and 1 more transcripts).
Identifiers: ClinVar variation 4978535 (VCV004978535.1).